The following is an entry in ClinVar:

ClinVar aggregate classification (germline): Uncertain significance (1 of 4 stars; one submission).

Conditions:
Hypokalemic periodic paralysis, type 1. Also called: HypoPP; Hypokalemic Periodic Paralysis Type 1 (AD). Identifiers: Orphanet 681, MedGen C3714580, MONDO:0042979, OMIM 170400.
Malignant hyperthermia, susceptibility to, 5 (MHS5). Also called: CACNA1S-Related Malignant Hyperthermia Susceptibility. Identifiers: Orphanet 423, MedGen C1866077, MONDO:0011163, OMIM 601887.

Submission:

Labcorp Genetics (formerly Invitae), Labcorp
Classification: Uncertain significance for Hypokalemic periodic paralysis, type 1; Malignant hyperthermia, susceptibility to, 5. Last evaluated: 2021-05-31. Review status: criteria provided, single submitter. Criteria: Invitae Variant Classification Sherloc (09022015). Collection method: clinical testing. Allele origin: germline.
Comment: In summary, the available evidence is currently insufficient to determine the role of this variant in disease. Therefore, it has been classified as a Variant of Uncertain Significance. Algorithms developed to predict the effect of missense changes on protein structure and function (SIFT, PolyPhen-2, Align-GVGD) all suggest that this variant is likely to be disruptive, but these predictions have not been confirmed by published functional studies and their clinical significance is uncertain. This variant has not been reported in the literature in individuals with CACNA1S-related conditions. This variant is not present in population databases (ExAC no frequency). This sequence change replaces leucine with proline at codon 871 of the CACNA1S protein (p.Leu871Pro). The leucine residue is highly conserved and there is a moderate physicochemical difference between leucine and proline.

NM_000069.3(CACNA1S):c.2612T>C (p.Leu871Pro)

Gene: CACNA1S (calcium voltage-gated channel subunit alpha1 S; minus strand). Cytogenetic location: 1q32.1.
Variant type: single nucleotide variant.
Coding change: c.2612T>C on transcript NM_000069.3 (MANE Select); coding-DNA position 2612, T replaced by C.
Protein change: p.Leu871Pro; replaces leucine 871 with proline.
Molecular consequence: missense variant.
Genome position (GRCh38, 1-based): chr1:201,066,932, A>G on the plus strand (T>C on the coding strand, the complement: CACNA1S is on the minus strand). VCF-style: chr1-201066932-A-G. GRCh37 (hg19) VCF-style: chr1-201036060-A-G.
Other names: short protein forms L871P.
Identifiers: ClinVar variation 1482010 (VCV001482010.8), dbSNP rs2102126857, ClinGen allele CA344103920.
Genomic context (GRCh38, chr1:201,066,932, plus strand): 5'-CTTGCCGCTGCTCACTCAAGTCCCATGGAGATGAGGGACACGGCCACCACCAGCAGGTCC[A>G]GCATGTTGAAGTAATTGCGGCAGAAGGAACCCTTGTGCAGGAAGGCTCCGTAGGTCGTCA-3'
Protein context (NP_000060.2, residues 861-881): GSFCRNYFNM[Leu871Pro]DLLVVAVSLI